The following is an entry in ClinVar:

NM_001943.5(DSG2):c.961T>A (p.Phe321Ile)

Gene: DSG2 (desmoglein 2; plus strand). Cytogenetic location: 18q12.1.
Variant type: single nucleotide variant.
Coding change: c.961T>A on transcript NM_001943.5 (MANE Select); coding-DNA position 961, T replaced by A.
Protein change: p.Phe321Ile; replaces phenylalanine 321 with isoleucine.
Molecular consequence: missense variant.
Genome position (GRCh38, 1-based): chr18:31,524,835, T>A. VCF-style: chr18-31524835-T-A. GRCh37 (hg19) VCF-style: chr18-29104798-T-A.
Other names: c.961T>A (LRG_397t1); short protein forms F321I.
Identifiers: ClinVar variation 252596 (VCV000252596.20), dbSNP rs201040643, ClinGen allele CA050538.
Genomic context (GRCh38, chr18:31,524,835, plus strand): 5'-ATAGGTTCTGATAATTGGCTGGCAAATTTTACATTTGCATCAGGAAATGAAGGAGGTTAT[T>A]TCCACATAGAAACAGATGCTCAAACTAACGAAGGAATTGTGACCCTTATTAAGGTAAGTA-3'
Protein context (NP_001934.2, residues 311-331): TFASGNEGGY[Phe321Ile]HIETDAQTNE

ClinVar aggregate classification (germline): Uncertain significance. Review status: criteria provided, multiple submitters, no conflicts (2 of 4 stars). 7 submissions from 7 submitters: Uncertain significance (7). Last evaluated 2025-08-30.

Conditions:
Cardiovascular phenotype. Identifiers: MedGen CN230736.
Arrhythmogenic right ventricular dysplasia 10. Also called: Arrhythmogenic Right Ventricular Dysplasia/Cardiomyopathy10; Arrhythmogenic right ventricular dysplasia/cardiomyopathy, type 10; ARRHYTHMOGENIC RIGHT VENTRICULAR DYSPLASIA, FAMILIAL, 10. Identifiers: MedGen C1857777, MONDO:0012434, OMIM 610193.
Dilated cardiomyopathy 1BB (CMD1BB). Also called: CARDIOMYOPATHY, DILATED, 1BB, SUSCEPTIBILITY TO. Identifiers: Orphanet 154, MedGen C2752072, MONDO:0013030, OMIM 612877.
Cardiomyopathy (CMYO). Also called: Cardiomyopathies. Identifiers: Orphanet 167848, MedGen C0878544, MONDO:0004994, HP:0001638. Inheritance: Various modes of inheritance.
Arrhythmogenic right ventricular cardiomyopathy (ARVD). Also called: Cardiomyopathy, ARVC; Arrhythmogenic right ventricular dysplasia; Arrhythmogenic cardiomyopathy; Arrhythmogenic Right Ventricular Cardiomyopathy (ARVC). Identifiers: Orphanet 247, MedGen C0349788, MeSH D019571, MONDO:0016587. Disease mechanism: loss of function. Inheritance: Various modes of inheritance.

Allele frequency attached by ClinVar (database versions not stated): ExAC 0.00002; gnomAD exomes 0.00002 and 0.00004; gnomAD 0.00004 and 0.00005; TOPMed 0.00005; ESP Exome Variant Server 0.00017.
gnomAD v4.1: 70 of 1,614,062 alleles (0.0043%); highest among the groups gnomAD compares: Non-Finnish European, 0.0053%; no homozygotes.

Submissions (7):

Ambry Genetics
Classification: Uncertain significance for Cardiovascular phenotype. Last evaluated: 2025-08-30. Review status: criteria provided, single submitter. Criteria: Ambry Variant Classification Scheme 2023. Collection method: clinical testing. Allele origin: germline.
Comment: The p.F321I variant (also known as c.961T>A), located in coding exon 8 of the DSG2 gene, results from a T to A substitution at nucleotide position 961. The phenylalanine at codon 321 is replaced by isoleucine, an amino acid with highly similar properties. This variant was reported in an arrhythmogenic right ventricular cardiomyopathy (ARVC) cohort and in a hypertrophic cardiomyopathy (HCM) cohort; however, clinical details were limited (Xu T et al. J. Am. Coll. Cardiol., 2010 Feb;55:587-97; Lopes LR et al. Heart, 2015 Feb;101:294-301). This variant has also been seen in exome cohorts, but cardiovascular history was not provided (Andreasen C et al. Eur. J. Hum. Genet., 2013 Sep;21:918-28; Haggerty CM et al. Genet. Med., 2017 11;19:1245-1252). This amino acid position is highly conserved in available vertebrate species. In addition, this alteration is predicted to be deleterious by in silico analysis. Since supporting evidence is limited at this time, the clinical significance of this alteration remains unclear.

Labcorp Genetics (formerly Invitae), Labcorp
Classification: Uncertain significance for Arrhythmogenic right ventricular dysplasia 10. Last evaluated: 2025-08-28. Review status: criteria provided, single submitter. Criteria: Invitae Variant Classification Sherloc (09022015). Collection method: clinical testing. Allele origin: germline.
Comment: This sequence change replaces phenylalanine, which is neutral and non-polar, with isoleucine, which is neutral and non-polar, at codon 321 of the DSG2 protein (p.Phe321Ile). This variant is present in population databases (rs201040643, gnomAD 0.005%). This missense change has been observed in individual(s) with arrhythmogenic right ventricular cardiomyopathy (PMID: 20152563). ClinVar contains an entry for this variant (Variation ID: 252596). Invitae Evidence Modeling of protein sequence and biophysical properties (such as structural, functional, and spatial information, amino acid conservation, physicochemical variation, residue mobility, and thermodynamic stability) has been performed for this missense variant. However, the output from this modeling did not meet the statistical confidence thresholds required to predict the impact of this variant on DSG2 protein function. In summary, the available evidence is currently insufficient to determine the role of this variant in disease. Therefore, it has been classified as a Variant of Uncertain Significance.

All of Us Research Program, National Institutes of Health
Classification: Uncertain significance for Arrhythmogenic right ventricular cardiomyopathy. Last evaluated: 2024-08-13. Review status: criteria provided, single submitter. Criteria: ACMG Guidelines, 2015. Collection method: clinical testing. Allele origin: germline. Inheritance: Autosomal dominant inheritance. Observed: 17 variant alleles, 17 heterozygotes.
Comment: This missense variant replaces phenylalanine with isoleucine at codon 321 of the DSG2 protein. Computational prediction tools and conservation analyses suggest that this variant may have deleterious impact on the protein function. Computational splicing tools suggest that this variant may not impact RNA splicing. To our knowledge, functional assays have not been performed for this variant. This variant has been reported in two individuals arrhythmogenic right ventricular cardiomyopathy (PMID: 28471438). This variant has also been identified in 6/280820 chromosomes in the general population by the Genome Aggregation Database (gnomAD). Available evidence is insufficient to determine the role of this variant in disease conclusively. Therefore, this variant is classified as a Variant of Uncertain Significance.

This study involves interpretation of variants in research participants for the purpose of population health screening. Participant phenotype was not available at the time of variant classification. Additional details can be found in publication PMID: 35346344, PMCID: PMC8962531

Color Diagnostics, LLC DBA Color Health
Classification: Uncertain significance for Cardiomyopathy. Last evaluated: 2024-04-16. Review status: criteria provided, single submitter. Criteria: ACMG Guidelines, 2015. Collection method: clinical testing. Allele origin: germline.
Comment: This missense variant replaces phenylalanine with isoleucine at codon 321 of the DSG2 protein. Computational prediction suggests that this variant may have deleterious impact on protein structure and function. To our knowledge, functional studies have not been reported for this variant. This variant has been reported in two individuals arrhythmogenic right ventricular cardiomyopathy (PMID: 28471438). This variant has been identified in 6/280820 chromosomes in the general population by the Genome Aggregation Database (gnomAD). The available evidence is insufficient to determine the role of this variant in disease conclusively. Therefore, this variant is classified as a Variant of Uncertain Significance.

Fulgent Genetics
Classification: Uncertain significance for Arrhythmogenic right ventricular dysplasia 10; Dilated cardiomyopathy 1BB. Last evaluated: 2021-08-18. Review status: criteria provided, single submitter. Criteria: ACMG Guidelines, 2015. Collection method: clinical testing. Allele origin: unknown.

GeneDx
Classification: Uncertain significance. Last evaluated: 2017-04-18. Review status: criteria provided, single submitter. Criteria: GeneDx Variant Classification (06012015). Collection method: clinical testing. Allele origin: germline. Affected: yes.
Comment: The F321I variant of uncertain significance in the DSG2 gene has previously been reported in one individual meeting diagnostic criteria for ARVC, however, family history and segregation data was not provided (Xu et al., 2010). This variant is not observed at a significant frequency in large population cohorts (Lek et al., 2016; 1000 Genomes Consortium et al., 2015; Exome Variant Server). This substitution occurs at a position that is conserved across species, and in silico analysis predicts this variant is probably damaging to the protein structure/function. However, to our knowledge no studies have been performed to determine the functional effect of the F321I variant. Furthermore, the F321I variant is a conservative amino acid substitution, which is not likely to impact secondary protein structure as these residues share similar properties.

Genomic Diagnostic Laboratory, Division of Genomic Diagnostics, Children's Hospital of Philadelphia
Classification: Uncertain significance for Arrhythmogenic right ventricular cardiomyopathy. Last evaluated: 2015-10-20. Review status: criteria provided, single submitter. Criteria: DGD Variant Analysis Guidelines. Collection method: clinical testing. Allele origin: unknown.

Literature cited by the submitters: PubMed 20152563 (cited by Ambry Genetics and Labcorp Genetics (formerly Invitae), Labcorp); PubMed 23299917 (cited by Ambry Genetics); PubMed 25351510 (cited by Ambry Genetics); PubMed 28471438 (cited by 3 submitters); PubMed 31402444 (cited by Ambry Genetics).